The following is an entry in ClinVar:

ClinVar aggregate classification (germline): Uncertain significance (1 of 4 stars; one submission).

Conditions:
Congenital myasthenic syndrome 8. Also called: MYASTHENIC SYNDROME, CONGENITAL, DUE TO AGRIN DEFICIENCY; Myasthenic syndrome, congenital, 8, with pre- and postsynaptic defects. Identifiers: Orphanet 590, MedGen C3808739, MONDO:0014052, OMIM 615120.

Allele frequency attached by ClinVar (database versions not stated): TOPMed below 0.00001; ExAC 0.00001; gnomAD 0.00001; gnomAD exomes 0.00001 and 0.00002; ESP Exome Variant Server 0.00008.
gnomAD v4.1: 35 of 1,610,316 alleles (0.0022%); highest among the groups gnomAD compares: Middle Eastern, 0.016%; no homozygotes.

Submission:

Labcorp Genetics (formerly Invitae), Labcorp
Classification: Uncertain significance for Congenital myasthenic syndrome 8. Last evaluated: 2018-04-27. Review status: criteria provided, single submitter. Criteria: Invitae Variant Classification Sherloc (09022015). Collection method: clinical testing. Allele origin: germline.
Comment: This sequence change replaces aspartic acid with asparagine at codon 417 of the AGRN protein (p.Asp417Asn). The aspartic acid residue is highly conserved and there is a small physicochemical difference between aspartic acid and asparagine. This variant is present in population databases (rs148420980, ExAC 0.002%). This variant has not been reported in the literature in individuals with AGRN-related disease. Algorithms developed to predict the effect of missense changes on protein structure and function do not agree on the potential impact of this missense change (SIFT: "Deleterious"; PolyPhen-2: "Possibly Damaging"; Align-GVGD: "Class C0"). In summary, the available evidence is currently insufficient to determine the role of this variant in disease. Therefore, it has been classified as a Variant of Uncertain Significance.

NM_198576.4(AGRN):c.1249G>A (p.Asp417Asn)

Gene: AGRN (agrin; plus strand). Cytogenetic location: 1p36.33.
Variant type: single nucleotide variant.
Coding change: c.1249G>A on transcript NM_198576.4 (MANE Select); coding-DNA position 1249, G replaced by A.
Protein change: p.Asp417Asn; replaces aspartic acid 417 with asparagine.
Molecular consequence: missense variant.
Genome position (GRCh38, 1-based): chr1:1,042,027, G>A. VCF-style: chr1-1042027-G-A. GRCh37 (hg19) VCF-style: chr1-977407-G-A.
Other names: c.1249G>A, p.Asp417Asn (NM_001305275.2); c.934G>A, p.Asp312Asn (NM_001364727.2); short protein forms D417N, D312N.
Identifiers: ClinVar variation 572023 (VCV000572023.8), dbSNP rs148420980, ClinGen allele CA508087.
Genomic context (GRCh38, chr1:1,042,027, plus strand): 5'-GAGCCCTGCCGGTTCAATGCCGTGTGCCTGTCCCGCCGTGGCCGTCCCCGCTGCTCCTGC[G>A]ACCGCGTCACCTGTGACGGGGCCTACAGGCCCGTGTGTGCCCAGGACGGGCGCACGTATG-3'
Protein context (NP_940978.2, residues 407-427): SRRGRPRCSC[Asp417Asn]RVTCDGAYRP